The following is an entry in ClinVar:

ClinVar aggregate classification (germline): Uncertain significance (1 of 4 stars; one submission).

Conditions:
Bethlem myopathy 1A. Also called: MYOPATHY, BENIGN CONGENITAL, WITH CONTRACTURES; Bethlem myopathy 1; Bethlem Muscular Dystrophy. Identifiers: Orphanet 610, MedGen CN029274, MONDO:0024530, OMIM 158810.

Submission:

Labcorp Genetics (formerly Invitae), Labcorp
Classification: Uncertain significance for Bethlem myopathy 1A. Last evaluated: 2024-12-18. Review status: criteria provided, single submitter. Criteria: Invitae Variant Classification Sherloc (09022015). Collection method: clinical testing. Allele origin: germline.
Comment: This sequence change replaces glycine, which is neutral and non-polar, with glutamic acid, which is acidic and polar, at codon 1777 of the COL6A3 protein (p.Gly1777Glu). This variant is not present in population databases (gnomAD no frequency). This variant has not been reported in the literature in individuals affected with COL6A3-related conditions. ClinVar contains an entry for this variant (Variation ID: 2031370). Invitae Evidence Modeling of protein sequence and biophysical properties (such as structural, functional, and spatial information, amino acid conservation, physicochemical variation, residue mobility, and thermodynamic stability) indicates that this missense variant is expected to disrupt COL6A3 protein function with a positive predictive value of 80%. In summary, the available evidence is currently insufficient to determine the role of this variant in disease. Therefore, it has been classified as a Variant of Uncertain Significance.

NM_004369.4(COL6A3):c.5330G>A (p.Gly1777Glu)

Gene: COL6A3 (collagen type VI alpha 3 chain; minus strand). Cytogenetic location: 2q37.3.
Variant type: single nucleotide variant.
Coding change: c.5330G>A on transcript NM_004369.4 (MANE Select); coding-DNA position 5330, G replaced by A.
Protein change: p.Gly1777Glu; replaces glycine 1777 with glutamic acid.
Molecular consequence: missense variant.
Genome position (GRCh38, 1-based): chr2:237,366,857, C>T on the plus strand (G>A on the coding strand, the complement: COL6A3 is on the minus strand). VCF-style: chr2-237366857-C-T. GRCh37 (hg19) VCF-style: chr2-238275500-C-T.
Other names: c.3509G>A, p.Gly1170Glu (NM_057166.5); c.4712G>A, p.Gly1571Glu (NM_057167.4); short protein forms G1777E, G1170E, G1571E.
Identifiers: ClinVar variation 2031370 (VCV002031370.4), dbSNP rs1477823319, ClinGen allele CA351187711.
Genomic context (GRCh38, chr2:237,366,857, plus strand): 5'-AACGCTGTGGCGCTGTTGGACGCTATCTTTCCAACCTCCTCCGAGTCGATATTCCTCACT[C>T]CAACAGCAAACACTTTGACCCCCCTCTGGGTGAGGGCCAGGCTCACATCCTGTGCATCTT-3'
Protein context (NP_004360.2, residues 1767-1787): TQRGVKVFAV[Gly1777Glu]VRNIDSEEVG